The following is an entry in ClinVar:

NM_001171.6(ABCC6):c.4332C>T (p.Leu1444=)

Gene: ABCC6 (ATP binding cassette subfamily C member 6; minus strand). Cytogenetic location: 16p13.11.
Variant type: single nucleotide variant.
Coding change: c.4332C>T on transcript NM_001171.6 (MANE Select); coding-DNA position 4332, C replaced by T.
Protein change: p.Leu1444=; no amino-acid change (leucine 1444 retained).
Molecular consequence: synonymous variant. On other transcripts: non-coding transcript variant (1).
Genome position (GRCh38, 1-based): chr16:16,150,649, G>A on the plus strand (C>T on the coding strand, the complement: ABCC6 is on the minus strand). VCF-style: chr16-16150649-G-A. GRCh37 (hg19) VCF-style: chr16-16244506-G-A.
Other names: c.4332C>T (NM_001171.5); c.3990C>T, p.Leu1330= (NM_001351800.1).
Identifiers: ClinVar variation 1602973 (VCV001602973.42), dbSNP rs559653607, ClinGen allele CA7925222.

ClinVar aggregate classification (germline): Likely benign. Review status: criteria provided, multiple submitters, no conflicts (2 of 4 stars). 5 submissions from 5 submitters: Likely benign (5). Last evaluated 2025-12-31.

Conditions:
Arterial calcification, generalized, of infancy, 2. Identifiers: Orphanet 51608, MedGen C3276161, MONDO:0013768, OMIM 614473.
Autosomal recessive inherited pseudoxanthoma elasticum (PXE). Identifiers: Orphanet 758, MedGen CN032334, MONDO:0009925, OMIM 264800.
Pseudoxanthoma elasticum, forme fruste. Also called: PSEUDOXANTHOMA ELASTICUM, HETEROZYGOUS; Pseudoxanthoma Elasticum, Incomplete. Identifiers: Orphanet 758, MedGen C1867450, MONDO:0008333, OMIM 177850.
ABCC6-related disorder. Also called: ABCC6-related condition.

Allele frequency attached by ClinVar (database versions not stated): gnomAD 0.00006 and 0.00009; TOPMed 0.00012; gnomAD exomes 0.00015; ExAC 0.00018.
gnomAD v4.1: 136 of 1,613,442 alleles (0.0084%); highest among the groups gnomAD compares: Middle Eastern, 0.082%; 1 homozygote.

Submissions (5):

Labcorp Genetics (formerly Invitae), Labcorp
Classification: Likely benign. Last evaluated: 2025-12-31. Review status: criteria provided, single submitter. Criteria: Invitae Variant Classification Sherloc (09022015). Collection method: clinical testing. Allele origin: germline.

PreventionGenetics, part of Exact Sciences
Classification: Likely benign for ABCC6-related condition. Last evaluated: 2025-10-27. Review status: criteria provided, single submitter. Criteria: ACMG Guidelines, 2015. Collection method: clinical testing. Allele origin: germline.
Comment: This variant is classified as likely benign based on ACMG/AMP sequence variant interpretation guidelines (Richards et al. 2015 PMID: 25741868, with internal and published modifications).

Blueprint Genetics
Classification: Likely benign. Last evaluated: 2024-08-27. Review status: criteria provided, single submitter. Criteria: ACMG Guidelines, 2015. Collection method: clinical testing. Allele origin: germline.

CeGaT Center for Human Genetics Tuebingen
Classification: Likely benign. Last evaluated: 2022-06-01. Review status: criteria provided, single submitter. Criteria: CeGaT Center For Human Genetics Tuebingen Variant Classification Criteria Version 2. Collection method: clinical testing. Allele origin: germline. Affected: yes. Observed: 1 variant allele.
Comment: ABCC6: BP4, BP7

Fulgent Genetics
Classification: Likely benign for Pseudoxanthoma elasticum, forme fruste; Autosomal recessive inherited pseudoxanthoma elasticum; Arterial calcification, generalized, of infancy, 2. Last evaluated: 2022-04-06. Review status: criteria provided, single submitter. Criteria: ACMG Guidelines, 2015. Collection method: clinical testing. Allele origin: unknown.